The following is an entry in ClinVar:

ClinVar aggregate classification (germline): Uncertain significance. Review status: criteria provided, multiple submitters, no conflicts (2 of 4 stars). 2 submissions from 2 submitters: Uncertain significance (2). Last evaluated 2023-11-07.

Conditions:
Ullrich congenital muscular dystrophy 2 (UCMD2). Identifiers: Orphanet 75840, MedGen C4225314, MONDO:0014654, OMIM 616470.
Bethlem myopathy 2 (BTHLM2). Identifiers: Orphanet 536516, Orphanet 610, MedGen C4225313, MONDO:0034022, OMIM 616471.

Submissions (2):

GeneDx
Classification: Uncertain significance. Last evaluated: 2023-11-07. Review status: criteria provided, single submitter. Criteria: GeneDx Variant Classification Process June 2021. Collection method: clinical testing. Allele origin: germline. Affected: yes.
Comment: Not observed at significant frequency in large population cohorts (gnomAD); In silico analysis supports that this missense variant has a deleterious effect on protein structure/function; Has not been previously published as pathogenic or benign to our knowledge

Labcorp Genetics (formerly Invitae), Labcorp
Classification: Uncertain significance for Bethlem myopathy 2; Ullrich congenital muscular dystrophy 2. Last evaluated: 2023-09-19. Review status: criteria provided, single submitter. Criteria: Invitae Variant Classification Sherloc (09022015). Collection method: clinical testing. Allele origin: germline.
Comment: In summary, the available evidence is currently insufficient to determine the role of this variant in disease. Therefore, it has been classified as a Variant of Uncertain Significance. Advanced modeling of protein sequence and biophysical properties (such as structural, functional, and spatial information, amino acid conservation, physicochemical variation, residue mobility, and thermodynamic stability) performed at Invitae indicates that this missense variant is not expected to disrupt COL12A1 protein function. This variant has not been reported in the literature in individuals affected with COL12A1-related conditions. This variant is not present in population databases (gnomAD no frequency). This sequence change replaces valine, which is neutral and non-polar, with alanine, which is neutral and non-polar, at codon 1682 of the COL12A1 protein (p.Val1682Ala).

NM_004370.6(COL12A1):c.5045T>C (p.Val1682Ala)

Gene: COL12A1 (collagen type XII alpha 1 chain; minus strand). Cytogenetic location: 6q13.
Variant type: single nucleotide variant.
Coding change: c.5045T>C on transcript NM_004370.6 (MANE Select); coding-DNA position 5045, T replaced by C.
Protein change: p.Val1682Ala; replaces valine 1682 with alanine.
Molecular consequence: missense variant.
Genome position (GRCh38, 1-based): chr6:75,138,874, A>G on the plus strand (T>C on the coding strand, the complement: COL12A1 is on the minus strand). VCF-style: chr6-75138874-A-G. GRCh37 (hg19) VCF-style: chr6-75848590-A-G.
Other names: c.5045T>C (NM_004370.5); c.5045T>C, p.Val1682Ala (NM_001424113.1, NM_001424114.1); c.4772T>C, p.Val1591Ala (NM_001424115.1); c.1553T>C, p.Val518Ala (NM_001424116.1, NM_080645.3); short protein forms V518A, V1591A, V1682A.
Identifiers: ClinVar variation 2952036 (VCV002952036.4), dbSNP rs2533320442, ClinGen allele CA364739676.